The following is an entry in ClinVar:

ClinVar aggregate classification (germline): Benign/Likely benign. Review status: criteria provided, multiple submitters, no conflicts (2 of 4 stars). 3 submissions from 3 submitters: Benign (2); Likely benign (1). Last evaluated 2026-10-01.

Allele frequency attached by ClinVar (database versions not stated): gnomAD 0.00444 and 0.00417; ExAC 0.00464; gnomAD exomes 0.00584 and 0.00428; 1000 Genomes Project 30x 0.00172; 1000 Genomes Project 0.00180; TOPMed 0.00412; ESP Exome Variant Server 0.00431.
gnomAD v4.1: 9,145 of 1,614,124 alleles (0.57%); highest among the groups gnomAD compares: Non-Finnish European, 0.66%; 45 homozygotes.

Submissions (3):

CeGaT Center for Human Genetics Tuebingen
Classification: Likely benign. Last evaluated: 2026-10-01. Review status: criteria provided, single submitter. Criteria: CeGaT Center For Human Genetics Tuebingen Variant Classification Criteria Version 2. Collection method: clinical testing. Allele origin: germline. Affected: yes. Observed: 26 variant alleles.
Comment: TRAK1: BP4, BP7, BS2

Labcorp Genetics (formerly Invitae), Labcorp
Classification: Benign. Last evaluated: 2026-01-27. Review status: criteria provided, single submitter. Criteria: Invitae Variant Classification Sherloc (09022015). Collection method: clinical testing. Allele origin: germline.

Breakthrough Genomics
Classification: Benign. Review status: criteria provided, single submitter. Criteria: ACMG Guidelines, 2015. Collection method: not provided. Allele origin: germline. Inheritance: Autosomal recessive inheritance. Affected: yes.

NM_001042646.3(TRAK1):c.1419C>T (p.Ala473=)

Gene: TRAK1 (trafficking kinesin protein 1; plus strand). Cytogenetic location: 3p22.1.
Variant type: single nucleotide variant.
Coding change: c.1419C>T on transcript NM_001042646.3 (MANE Select); coding-DNA position 1419, C replaced by T.
Protein change: p.Ala473=; no amino-acid change (alanine 473 retained).
Molecular consequence: synonymous variant. On other transcripts: non-coding transcript variant (1).
Genome position (GRCh38, 1-based): chr3:42,201,046, C>T. VCF-style: chr3-42201046-C-T. GRCh37 (hg19) VCF-style: chr3-42242538-C-T.
Other names: c.1419C>T, p.Ala473= (NM_001265608.2, NM_001349246.2, NM_001349247.2); c.1197C>T, p.Ala399= (NM_001265609.2, NM_001265610.1, NM_001349248.1 and 1 more transcripts); c.1107C>T, p.Ala369= (NM_001349245.1); c.1245C>T, p.Ala415= (NM_014965.5).
Identifiers: ClinVar variation 776347 (VCV000776347.40), dbSNP rs143049389, ClinGen allele CA2333470.